The following is an entry in ClinVar:

ClinVar aggregate classification (germline): Uncertain significance (1 of 4 stars; one submission).

Conditions:
Nemaline myopathy 2 (NEM2). Also called: Nemaline myopathy 2, autosomal recessive. Identifiers: MedGen C1850569, MONDO:0009725, OMIM 256030.

Submission:

Labcorp Genetics (formerly Invitae), Labcorp
Classification: Uncertain significance for Nemaline myopathy 2. Last evaluated: 2019-11-04. Review status: criteria provided, single submitter. Criteria: Invitae Variant Classification Sherloc (09022015). Collection method: clinical testing. Allele origin: germline.
Comment: This variant is not present in population databases (ExAC no frequency). This sequence change replaces isoleucine with phenylalanine at codon 3156 of the NEB protein (p.Ile3156Phe). The isoleucine residue is weakly conserved and there is a small physicochemical difference between isoleucine and phenylalanine. This variant has not been reported in the literature in individuals with NEB-related conditions. Algorithms developed to predict the effect of missense changes on protein structure and function are either unavailable or do not agree on the potential impact of this missense change (SIFT: "Deleterious"; PolyPhen-2: "Not Available"; Align-GVGD: "Class C0"). In summary, the available evidence is currently insufficient to determine the role of this variant in disease. Therefore, it has been classified as a Variant of Uncertain Significance.

NM_001164508.2(NEB):c.9466A>T (p.Ile3156Phe)

Gene: NEB (nebulin; minus strand). Cytogenetic location: 2q23.3.
Variant type: single nucleotide variant.
Coding change: c.9466A>T on transcript NM_001164508.2 (MANE Select); coding-DNA position 9466, A replaced by T.
Protein change: p.Ile3156Phe; replaces isoleucine 3156 with phenylalanine.
Molecular consequence: missense variant. On other transcripts: intron variant (1).
Genome position (GRCh38, 1-based): chr2:151,631,295, T>A on the plus strand (A>T on the coding strand, the complement: NEB is on the minus strand). VCF-style: chr2-151631295-T-A. GRCh37 (hg19) VCF-style: chr2-152487809-T-A.
Other names: c.9466A>T, p.Ile3156Phe (NM_001164507.2, NM_001271208.2); c.8854-117A>T (NM_004543.5); short protein forms I3156F.
Identifiers: ClinVar variation 970470 (VCV000970470.9), dbSNP rs749280613, ClinGen allele CA348801204.